The following is an entry in ClinVar:

NM_014049.5(ACAD9):c.1022T>C (p.Leu341Ser)

Gene: ACAD9 (acyl-CoA dehydrogenase family member 9; plus strand). Cytogenetic location: 3q21.3.
Variant type: single nucleotide variant.
Coding change: c.1022T>C on transcript NM_014049.5 (MANE Select); coding-DNA position 1022, T replaced by C.
Protein change: p.Leu341Ser; replaces leucine 341 with serine.
Molecular consequence: missense variant. On other transcripts: non-coding transcript variant (1).
Genome position (GRCh38, 1-based): chr3:128,904,125, T>C. VCF-style: chr3-128904125-T-C. GRCh37 (hg19) VCF-style: chr3-128622968-T-C.
Other names: p.L341S:TTG>TCG; p.Leu341Ser; short protein forms L341S.
Identifiers: ClinVar variation 214001 (VCV000214001.22), dbSNP rs141874052, ClinGen allele CA323563.

ClinVar aggregate classification (germline): Conflicting classifications of pathogenicity. Review status: criteria provided, conflicting classifications (1 of 4 stars). 7 submissions from 7 submitters: Uncertain significance (4); Likely benign (1). 2 of the submissions do not count toward it. Last evaluated 2026-01-26.

Conditions:
ACAD9-related disorder. Also called: ACAD9-related condition.
Acyl-CoA dehydrogenase 9 deficiency. Also called: Acyl-CoA dehydrogenase family, member 9, deficiency of; MITOCHONDRIAL COMPLEX I DEFICIENCY, NUCLEAR TYPE 20. Identifiers: Orphanet 99901, MedGen C4747517, MONDO:0012624, OMIM 611126.

Allele frequency attached by ClinVar (database versions not stated): gnomAD exomes 0.00005 and 0.00015; ExAC 0.00021; gnomAD 0.00056 and 0.00061; 1000 Genomes Project 0.00060; 1000 Genomes Project 30x 0.00062; TOPMed 0.00068; ESP Exome Variant Server 0.00069.

Submissions (7):

Labcorp Genetics (formerly Invitae), Labcorp
Classification: Likely benign. Last evaluated: 2026-01-26. Review status: criteria provided, single submitter. Criteria: Invitae Variant Classification Sherloc (09022015). Collection method: clinical testing. Allele origin: germline.

GeneDx
Classification: Uncertain significance. Last evaluated: 2024-05-17. Review status: criteria provided, single submitter. Criteria: GeneDx Variant Classification Process June 2021. Collection method: clinical testing. Allele origin: germline. Affected: yes.
Comment: In silico analysis supports that this missense variant has a deleterious effect on protein structure/function; Has not been previously published as pathogenic or benign to our knowledge

Mayo Clinic Laboratories, Mayo Clinic
Classification: Uncertain significance. Last evaluated: 2023-01-12. Review status: criteria provided, single submitter. Criteria: ACMG Guidelines, 2015. Collection method: clinical testing. Allele origin: germline. Observed: 1 variant allele.

Baylor Genetics
Classification: Uncertain significance for Acyl-CoA dehydrogenase 9 deficiency. Last evaluated: 2018-04-05. Review status: criteria provided, single submitter. Criteria: ACMG Guidelines, 2015. Collection method: clinical testing. Allele origin: unknown. Affected: yes.
Comment: This variant was determined to be of uncertain significance according to ACMG Guidelines, 2015 [PMID:25741868].

Illumina Laboratory Services, Illumina
Classification: Uncertain significance for Acyl-CoA dehydrogenase 9 deficiency. Last evaluated: 2018-01-13. Review status: criteria provided, single submitter. Criteria: ICSL Variant Classification Criteria 13 December 2019. Collection method: clinical testing. Allele origin: germline.

PreventionGenetics, part of Exact Sciences
Classification: Likely benign for ACAD9-related condition. Last evaluated: 2023-06-23. Review status: no assertion criteria provided. Collection method: clinical testing. Allele origin: germline. Not counted in ClinVar's aggregate classification.
Comment: This variant is classified as likely benign based on ACMG/AMP sequence variant interpretation guidelines (Richards et al. 2015 PMID: 25741868, with internal and published modifications).

Natera, Inc.
Classification: Likely benign for ACAD9 deficiency. Last evaluated: 2019-10-28. Review status: no assertion criteria provided. Collection method: clinical testing. Allele origin: germline. Not counted in ClinVar's aggregate classification.